The following is an entry in ClinVar:

ClinVar aggregate classification (germline): Uncertain significance (1 of 4 stars; one submission).

Conditions:
Bardet-Biedl syndrome (BBS). Identifiers: Orphanet 110, MedGen C0752166, MONDO:0015229.

gnomAD v4.1: 1 of 1,613,046 alleles (0.000062%); highest among the groups gnomAD compares: Non-Finnish European, 0.000085%; no homozygotes.

Submission:

Labcorp Genetics (formerly Invitae), Labcorp
Classification: Uncertain significance for Bardet-Biedl syndrome. Last evaluated: 2022-04-04. Review status: criteria provided, single submitter. Criteria: Invitae Variant Classification Sherloc (09022015). Collection method: clinical testing. Allele origin: germline.
Comment: This sequence change replaces threonine, which is neutral and polar, with isoleucine, which is neutral and non-polar, at codon 369 of the BBS1 protein (p.Thr369Ile). This variant is not present in population databases (gnomAD no frequency). This variant has not been reported in the literature in individuals affected with BBS1-related conditions. Algorithms developed to predict the effect of missense changes on protein structure and function (SIFT, PolyPhen-2, Align-GVGD) all suggest that this variant is likely to be tolerated. In summary, the available evidence is currently insufficient to determine the role of this variant in disease. Therefore, it has been classified as a Variant of Uncertain Significance.

NM_024649.5(BBS1):c.1106C>T (p.Thr369Ile)

Genes: BBS1 (Bardet-Biedl syndrome 1; plus strand), ZDHHC24 (zDHHC palmitoyltransferase 24; minus strand). Cytogenetic location: 11q13.2.
Variant type: single nucleotide variant.
Coding change: c.1106C>T on transcript NM_024649.5 (MANE Select); coding-DNA position 1106, C replaced by T.
Protein change: p.Thr369Ile; replaces threonine 369 with isoleucine.
Molecular consequence: missense variant. On other transcripts: intron variant (1).
Genome position (GRCh38, 1-based): chr11:66,523,878, C>T. VCF-style: chr11-66523878-C-T. GRCh37 (hg19) VCF-style: chr11-66291349-C-T.
Other names: c.*22-2412G>A (NM_001348571.2); short protein forms T369I.
Identifiers: ClinVar variation 2121357 (VCV002121357.4), dbSNP rs1330285254, ClinGen allele CA381462808.